The following is an entry in ClinVar:

ClinVar aggregate classification (germline): Uncertain significance. Review status: criteria provided, multiple submitters, no conflicts (2 of 4 stars). 2 submissions from 2 submitters: Uncertain significance (2). Last evaluated 2026-07-29.

Conditions:
TTN-related disorder. Also called: TTN-related condition; TTN-related disease; TTN-related disorders.

Submissions (2):

PreventionGenetics, part of Exact Sciences
Classification: Uncertain significance for TTN-related condition. Last evaluated: 2026-07-29. Review status: criteria provided, single submitter. Criteria: ACMG Guidelines, 2015. Collection method: clinical testing. Allele origin: germline.
Comment: The TTN c.61742T>C variant is predicted to result in the amino acid substitution p.Val20581Ala. To our knowledge, this variant has not been reported in the literature. This variant is reported in 0.0065% of alleles in individuals of African descent in gnomAD. At this time, the clinical significance of this variant is uncertain due to the absence of conclusive functional and genetic evidence.

Mayo Clinic Laboratories, Mayo Clinic
Classification: Uncertain significance. Last evaluated: 2025-06-26. Review status: criteria provided, single submitter. Criteria: ACMG Guidelines, 2015. Collection method: clinical testing. Allele origin: germline. Observed: 1 variant allele.
Comment: BP4

NM_001267550.2(TTN):c.61742T>C (p.Val20581Ala)

Genes: TTN (titin; minus strand), TTN-AS1 (TTN antisense RNA 1; plus strand). Cytogenetic location: 2q31.2.
Variant type: single nucleotide variant.
Coding change: c.61742T>C on transcript NM_001267550.2 (MANE Select); coding-DNA position 61742, T replaced by C.
Protein change: p.Val20581Ala; replaces valine 20581 with alanine.
Molecular consequence: missense variant.
Genome position (GRCh38, 1-based): chr2:178,589,983, A>G on the plus strand (T>C on the coding strand, the complement: TTN is on the minus strand). VCF-style: chr2-178589983-A-G. GRCh37 (hg19) VCF-style: chr2-179454710-A-G.
Other names: p.Val18013Ala; c.56819T>C, p.Val18940Ala (NM_001256850.1); c.34547T>C, p.Val11516Ala (NM_003319.4); c.54038T>C, p.Val18013Ala (NM_133378.4); c.34922T>C, p.Val11641Ala (NM_133432.3); c.35123T>C, p.Val11708Ala (NM_133437.4); short protein forms V11708A, V18013A, V18940A, V20581A, V11516A, V11641A.
Identifiers: ClinVar variation 4540728 (VCV004540728.2).